The following is an entry in ClinVar:

ClinVar aggregate classification (germline): Uncertain significance (1 of 4 stars; one submission).

gnomAD v4.1: 2 of 1,612,156 alleles (0.00012%); highest among the groups gnomAD compares: African/African-American, 0.0027%; no homozygotes.

Submission:

Labcorp Genetics (formerly Invitae), Labcorp
Classification: Uncertain significance. Last evaluated: 2024-01-28. Review status: criteria provided, single submitter. Criteria: Invitae Variant Classification Sherloc (09022015). Collection method: clinical testing. Allele origin: germline.
Comment: This sequence change replaces threonine, which is neutral and polar, with alanine, which is neutral and non-polar, at codon 78 of the TRIP13 protein (p.Thr78Ala). This variant is not present in population databases (gnomAD no frequency). This variant has not been reported in the literature in individuals affected with TRIP13-related conditions. An algorithm developed to predict the effect of missense changes on protein structure and function (PolyPhen-2) suggests that this variant is likely to be tolerated. In summary, the available evidence is currently insufficient to determine the role of this variant in disease. Therefore, it has been classified as a Variant of Uncertain Significance.

NM_004237.4(TRIP13):c.232A>G (p.Thr78Ala)

Gene: TRIP13 (thyroid hormone receptor interactor 13; plus strand). Cytogenetic location: 5p15.33.
Variant type: single nucleotide variant.
Coding change: c.232A>G on transcript NM_004237.4 (MANE Select); coding-DNA position 232, A replaced by G.
Protein change: p.Thr78Ala; replaces threonine 78 with alanine.
Molecular consequence: missense variant.
Genome position (GRCh38, 1-based): chr5:894,926, A>G. VCF-style: chr5-894926-A-G. GRCh37 (hg19) VCF-style: chr5-895041-A-G.
Other names: c.232A>G, p.Thr78Ala (NM_001166260.2); short protein forms T78A.
Identifiers: ClinVar variation 3668760 (VCV003668760.2).